The following is an entry in ClinVar:

NM_004360.5(CDH1):c.1489G>A (p.Glu497Lys)

Gene: CDH1 (cadherin 1; plus strand). Cytogenetic location: 16q22.1.
Variant type: single nucleotide variant.
Coding change: c.1489G>A on transcript NM_004360.5 (MANE Select); coding-DNA position 1489, G replaced by A.
Protein change: p.Glu497Lys; replaces glutamic acid 497 with lysine.
Molecular consequence: missense variant. On other transcripts: 5 prime UTR variant (2).
Genome position (GRCh38, 1-based): chr16:68,815,683, G>A. VCF-style: chr16-68815683-G-A. GRCh37 (hg19) VCF-style: chr16-68849586-G-A.
Other names: c.1306G>A, p.Glu436Lys (NM_001317184.2); c.-60G>A (NM_001317185.2); c.-331G>A (NM_001317186.2); short protein forms E497K, E436K.
Identifiers: ClinVar variation 560365 (VCV000560365.17), dbSNP rs1567508990, ClinGen allele CA396463192.

ClinVar aggregate classification (germline): Uncertain significance. Review status: criteria provided, multiple submitters, no conflicts (2 of 4 stars). 5 submissions from 5 submitters: Uncertain significance (3). 2 of the submissions do not count toward it. Last evaluated 2025-08-22.

Conditions:
Hereditary cancer-predisposing syndrome. Also called: Neoplastic Syndromes, Hereditary; Tumor predisposition; Hereditary Cancer Syndrome; Hereditary neoplastic syndrome. Identifiers: Orphanet 140162, MedGen C0027672, MeSH D009386, MONDO:0015356.
Breast carcinoma. Also called: Carcinoma of breast. Identifiers: MedGen C0678222, MONDO:0004989, HP:0003002.
Cleft lip with or without cleft palate. Identifiers: Orphanet 1991, MedGen C0810364, MONDO:0016034.
Hereditary diffuse gastric adenocarcinoma (HDGC). Also called: DIFFUSE GASTRIC AND LOBULAR BREAST CANCER SYNDROME. Identifiers: Orphanet 26106, MedGen C1708349, MONDO:0007648, OMIM 137215.

Submissions (5):

Ambry Genetics
Classification: Uncertain significance for Hereditary cancer-predisposing syndrome. Last evaluated: 2025-08-22. Review status: criteria provided, single submitter. Criteria: Ambry Variant Classification Scheme 2023. Collection method: clinical testing. Allele origin: germline.
Comment: The p.E497K variant (also known as c.1489G>A), located in coding exon 10 of the CDH1 gene, results from a G to A substitution at nucleotide position 1489. The glutamic acid at codon 497 is replaced by lysine, an amino acid with similar properties. This alteration has been reported in an individual with cleft lip and/or palate (Cox LL et al. Am J Hum Genet, 2018 Jun;102:1143-1157). This amino acid position is highly conserved in available vertebrate species. In addition, this alteration is predicted to be deleterious by in silico analysis. Since supporting evidence is limited at this time, the clinical significance of this alteration remains unclear.

Labcorp Genetics (formerly Invitae), Labcorp
Classification: Uncertain significance for Hereditary diffuse gastric adenocarcinoma. Last evaluated: 2024-05-30. Review status: criteria provided, single submitter. Criteria: Invitae Variant Classification Sherloc (09022015). Collection method: clinical testing. Allele origin: germline.
Comment: This sequence change replaces glutamic acid, which is acidic and polar, with lysine, which is basic and polar, at codon 497 of the CDH1 protein (p.Glu497Lys). This variant is not present in population databases (gnomAD no frequency). This missense change has been observed in individual(s) with clinical features of CDH1-related conditions (PMID: 29805042). ClinVar contains an entry for this variant (Variation ID: 560365). An algorithm developed to predict the effect of missense changes on protein structure and function (PolyPhen-2) suggests that this variant is likely to be disruptive. In summary, the available evidence is currently insufficient to determine the role of this variant in disease. Therefore, it has been classified as a Variant of Uncertain Significance.

Color Diagnostics, LLC DBA Color Health
Classification: Uncertain significance for Hereditary cancer-predisposing syndrome. Last evaluated: 2020-09-29. Review status: criteria provided, single submitter. Criteria: ACMG Guidelines, 2015. Collection method: clinical testing. Allele origin: germline.
Comment: This missense variant replaces glutamic acid with lysine at codon 497 of the CDH1 protein. To our knowledge, functional studies have not been reported for this variant. This variant has not been reported as a germline mutation in individuals affected with hereditary cancer in the literature. This variant has not been identified in the general population by the Genome Aggregation Database (gnomAD). The available evidence is insufficient to determine the role of this variant in disease conclusively. Therefore, this variant is classified as a Variant of Uncertain Significance.

Institute of Human Genetics, University of Wuerzburg
Classification: Uncertain significance for Breast carcinoma. Review status: no assertion criteria provided. Collection method: clinical testing. Allele origin: unknown. Not counted in ClinVar's aggregate classification.

University of Washington Center for Mendelian Genomics, University of Washington
Classification: Likely pathogenic for Cleft Lip with or without Cleft Palate. Review status: no assertion criteria provided. Collection method: research. Allele origin: unknown. Affected: yes. Not counted in ClinVar's aggregate classification.

Literature cited by the submitters: PubMed 29805042 (cited by 3 submitters).